The following is an entry in ClinVar:

ClinVar aggregate classification (germline): Likely benign. Review status: criteria provided, multiple submitters, no conflicts (2 of 4 stars). 2 submissions from 2 submitters: Likely benign (2). Last evaluated 2024-12-23.

Conditions:
SIPA1L3-related disorder. Also called: SIPA1L3-related condition.

Allele frequency attached by ClinVar (database versions not stated): TOPMed below 0.00001; gnomAD exomes 0.00001; ExAC 0.00002.
gnomAD v4.1: 4 of 1,613,504 alleles (0.00025%); highest among the groups gnomAD compares: Admixed American, 0.005%; no homozygotes.

Submissions (2):

PreventionGenetics, part of Exact Sciences
Classification: Likely benign for SIPA1L3-related condition. Last evaluated: 2024-12-23. Review status: criteria provided, single submitter. Criteria: ACMG Guidelines, 2015. Collection method: clinical testing. Allele origin: germline.
Comment: This variant is classified as likely benign based on ACMG/AMP sequence variant interpretation guidelines (Richards et al. 2015 PMID: 25741868, with internal and published modifications).

Labcorp Genetics (formerly Invitae), Labcorp
Classification: Likely benign. Last evaluated: 2018-02-12. Review status: criteria provided, single submitter. Criteria: Invitae Variant Classification Sherloc (09022015). Collection method: clinical testing. Allele origin: germline.

NM_015073.3(SIPA1L3):c.3819C>T (p.Thr1273=)

Gene: SIPA1L3 (signal induced proliferation associated 1 like 3; plus strand). Cytogenetic location: 19q13.13.
Variant type: single nucleotide variant.
Coding change: c.3819C>T on transcript NM_015073.3 (MANE Select); coding-DNA position 3819, C replaced by T.
Protein change: p.Thr1273=; no amino-acid change (threonine 1273 retained).
Molecular consequence: synonymous variant.
Genome position (GRCh38, 1-based): chr19:38,164,517, C>T. VCF-style: chr19-38164517-C-T. GRCh37 (hg19) VCF-style: chr19-38655157-C-T.
Identifiers: ClinVar variation 723277 (VCV000723277.4), dbSNP rs775855712, ClinGen allele CA9410134.